The following is an entry in ClinVar:

NM_013275.6(ANKRD11):c.1284C>T (p.Leu428=)

Gene: ANKRD11 (ankyrin repeat domain 11; minus strand). Cytogenetic location: 16q24.3.
Variant type: single nucleotide variant.
Coding change: c.1284C>T on transcript NM_013275.6 (MANE Select); coding-DNA position 1284, C replaced by T.
Protein change: p.Leu428=; no amino-acid change (leucine 428 retained).
Molecular consequence: synonymous variant.
Genome position (GRCh38, 1-based): chr16:89,285,258, G>A on the plus strand (C>T on the coding strand, the complement: ANKRD11 is on the minus strand). VCF-style: chr16-89285258-G-A. GRCh37 (hg19) VCF-style: chr16-89351666-G-A.
Other names: c.1284C>T, p.Leu428= (NM_001256182.2, NM_001256183.2).
Identifiers: ClinVar variation 2647088 (VCV002647088.24), dbSNP rs768137099, ClinGen allele CA8242816.
Genomic context (GRCh38, chr16:89,285,258, plus strand): 5'-CTGCTGCTTGGCATTAGAAGGCTCTCGTGTCTTACTACCAGGCAATATCGTATGTGCCGA[G>A]AGTCTCAGCTTCTCTCCTGTCCCCACGGTGACACTCGCGTCCTCCTCGTCCGACGTGTCT-3'
Protein context (NP_037407.4, residues 418-438): VTVGTGEKLR[Leu428=]SAHTILPGSK

ClinVar aggregate classification (germline): Likely benign (1 of 4 stars; one submission).

Allele frequency attached by ClinVar (database versions not stated): ExAC 0.00001; gnomAD 0.00001; gnomAD exomes 0.00001.
gnomAD v4.1: 11 of 1,613,600 alleles (0.00068%); highest among the groups gnomAD compares: Non-Finnish European, 0.00093%; no homozygotes.

Submission:

CeGaT Center for Human Genetics Tuebingen
Classification: Likely benign. Last evaluated: 2023-03-01. Review status: criteria provided, single submitter. Criteria: CeGaT Center For Human Genetics Tuebingen Variant Classification Criteria Version 2. Collection method: clinical testing. Allele origin: germline. Affected: yes. Observed: 2 variant alleles.
Comment: ANKRD11: BP4, BP7